The following is an entry in ClinVar:

NM_001943.5(DSG2):c.1220G>C (p.Gly407Ala)

Gene: DSG2 (desmoglein 2; plus strand). Cytogenetic location: 18q12.1.
Variant type: single nucleotide variant.
Coding change: c.1220G>C on transcript NM_001943.5 (MANE Select); coding-DNA position 1220, G replaced by C.
Protein change: p.Gly407Ala; replaces glycine 407 with alanine.
Molecular consequence: missense variant.
Genome position (GRCh38, 1-based): chr18:31,531,192, G>C. VCF-style: chr18-31531192-G-C. GRCh37 (hg19) VCF-style: chr18-29111155-G-C.
Other names: short protein forms G407A.
Identifiers: ClinVar variation 2008597 (VCV002008597.4), dbSNP rs2073196524, ClinGen allele CA402139300.

ClinVar aggregate classification (germline): Uncertain significance (1 of 4 stars; one submission).

Conditions:
Arrhythmogenic right ventricular dysplasia 10. Also called: Arrhythmogenic Right Ventricular Dysplasia/Cardiomyopathy10; ARRHYTHMOGENIC RIGHT VENTRICULAR DYSPLASIA, FAMILIAL, 10; Arrhythmogenic right ventricular dysplasia/cardiomyopathy, type 10. Identifiers: MedGen C1857777, MONDO:0012434, OMIM 610193.

Submission:

Labcorp Genetics (formerly Invitae), Labcorp
Classification: Uncertain significance for Arrhythmogenic right ventricular dysplasia 10. Last evaluated: 2025-05-05. Review status: criteria provided, single submitter. Criteria: Invitae Variant Classification Sherloc (09022015). Collection method: clinical testing. Allele origin: germline.
Comment: This sequence change replaces glycine, which is neutral and non-polar, with alanine, which is neutral and non-polar, at codon 407 of the DSG2 protein (p.Gly407Ala). This variant is not present in population databases (gnomAD no frequency). This variant has not been reported in the literature in individuals affected with DSG2-related conditions. ClinVar contains an entry for this variant (Variation ID: 2008597). Invitae Evidence Modeling of protein sequence and biophysical properties (such as structural, functional, and spatial information, amino acid conservation, physicochemical variation, residue mobility, and thermodynamic stability) indicates that this missense variant is not expected to disrupt DSG2 protein function with a negative predictive value of 95%. In summary, the available evidence is currently insufficient to determine the role of this variant in disease. Therefore, it has been classified as a Variant of Uncertain Significance.